The following is an entry in ClinVar:

ClinVar aggregate classification (germline): Likely benign (0 of 4 stars; one submission).

Conditions:
DDX54-related disorder. Also called: DDX54-related condition.

Allele frequency attached by ClinVar (database versions not stated): ExAC 0.00043; ESP Exome Variant Server 0.00161; gnomAD 0.00161; TOPMed 0.00173; 1000 Genomes Project 0.00200; 1000 Genomes Project 30x 0.00219.

Submission:

PreventionGenetics, part of Exact Sciences
Classification: Likely benign for DDX54-related condition. Last evaluated: 2022-07-06. Review status: no assertion criteria provided. Collection method: clinical testing. Allele origin: germline.
Comment: This variant is classified as likely benign based on ACMG/AMP sequence variant interpretation guidelines (Richards et al. 2015 PMID: 25741868, with internal and published modifications).

NM_024072.4(DDX54):c.299C>T (p.Ser100Phe)

Gene: DDX54 (DEAD-box helicase 54; minus strand). Cytogenetic location: 12q24.13.
Variant type: single nucleotide variant.
Coding change: c.299C>T on transcript NM_024072.4 (MANE Select); coding-DNA position 299, C replaced by T.
Protein change: p.Ser100Phe; replaces serine 100 with phenylalanine.
Molecular consequence: missense variant.
Genome position (GRCh38, 1-based): chr12:113,180,934, G>A on the plus strand (C>T on the coding strand, the complement: DDX54 is on the minus strand). VCF-style: chr12-113180934-G-A. GRCh37 (hg19) VCF-style: chr12-113618739-G-A.
Other names: c.299C>T, p.Ser100Phe (NM_001111322.2); short protein forms S100F.
Identifiers: ClinVar variation 3042262 (VCV003042262.2), dbSNP rs115144721, ClinGen allele CA6804090.